The following is an entry in ClinVar:

NM_001042492.3(NF1):c.233del (p.Asn78fs)

Gene: NF1 (neurofibromin 1; plus strand). Cytogenetic location: 17q11.2.
Variant type: Deletion.
Coding change: c.233del on transcript NM_001042492.3 (MANE Select); coding-DNA position 233, one base deleted (A; older notation c.233delA).
Protein change: p.Asn78fs; shifts the reading frame from asparagine 78.
Molecular consequence: frameshift variant.
Genome position (GRCh38, 1-based): chr17:31,159,038, A deleted; the last of 7 consecutive A bases (chr17:31,159,032-31,159,038); deleting any one gives the same sequence. VCF-style (leftmost placement, unchanged base first): chr17-31159031-GA-G. GRCh37 (hg19) VCF-style: chr17-29486049-GA-G.
Other names: c.233delA (NM_000267.3); c.233delA, p.Asn78Ilefs (NM_000267.4); c.233del, p.Asn78fs (NM_001128147.3); short protein forms N78fs.
Identifiers: ClinVar variation 545744 (VCV000545744.20), dbSNP rs1438566555, ClinGen allele CA625468838.

ClinVar aggregate classification (germline): Pathogenic. Review status: criteria provided, multiple submitters, no conflicts (2 of 4 stars). 8 submissions from 8 submitters: Pathogenic (8). Last evaluated 2025-11-21.

Conditions:
Neurofibromatosis, type 1 (NF1). Also called: VON RECKLINGHAUSEN DISEASE; Peripheral type neurofibromatosis; Neurofibromatosis, type I; NEUROFIBROMATOSIS, TYPE I, SOMATIC. Identifiers: Orphanet 636, MedGen C0027831, MONDO:0018975, OMIM 162200. Disease mechanism: loss of function.
NF1-related disorder. Also called: NF1-related condition. Identifiers: MedGen CN379171.
Hereditary cancer-predisposing syndrome. Also called: Neoplastic Syndromes, Hereditary; Tumor predisposition; Hereditary Cancer Syndrome; Hereditary neoplastic syndrome. Identifiers: Orphanet 140162, MedGen C0027672, MeSH D009386, MONDO:0015356.
Cardiovascular phenotype. Identifiers: MedGen CN230736.

Submissions (8):

Ambry Genetics
Classification: Pathogenic for Cardiovascular phenotype; Hereditary cancer-predisposing syndrome. Last evaluated: 2025-11-21. Review status: criteria provided, single submitter. Criteria: Ambry Variant Classification Scheme 2023. Collection method: clinical testing. Allele origin: germline.
Comment: The c.233delA (p.N78Ifs*7) alteration, located in exon 3 (coding exon 3) of the NF1 gene, consists of a deletion of one nucleotide at position 233, causing a translational frameshift with a predicted alternate stop codon after 7 amino acids. This alteration is expected to result in loss of function by premature protein truncation or nonsense-mediated mRNA decay. Based on data from gnomAD, the c.233delA allele has an overall frequency of <0.001% (1/250700) total alleles studied. This variant was reported in multiple individuals who met clinical criteria for neurofibromatosis type 1 (Kluwe, 2002; Banerjee, 2016) and segregated with disease in at least one family (Banerjee, 2016). This mutation is also designated as c.227delA and 227-233delA in published literature. Based on the available evidence, this alteration is classified as pathogenic.

Labcorp Genetics (formerly Invitae), Labcorp
Classification: Pathogenic for Neurofibromatosis, type 1. Last evaluated: 2025-10-12. Review status: criteria provided, single submitter. Criteria: Invitae Variant Classification Sherloc (09022015). Collection method: clinical testing. Allele origin: germline.
Comment: This sequence change creates a premature translational stop signal (p.Asn78Ilefs*7) in the NF1 gene. It is expected to result in an absent or disrupted protein product. Loss-of-function variants in NF1 are known to be pathogenic (PMID: 10712197, 23913538). This variant is present in population databases (no rsID available, gnomAD 0.004%). This premature translational stop signal has been observed in individual(s) with neurofibromatosis type 1 (PMID: 11857752, 27234610). It has also been observed to segregate with disease in related individuals. Invitae Evidence Modeling of clinical and family history, age, sex, and reported ancestry of multiple individuals with this NF1 variant has been performed. This variant is expected to be pathogenic with a positive predictive value of at least 99%. This is a validated machine learning model that incorporates the clinical features of 1,785,918 individuals referred to our laboratory for NF1 testing. This variant is also known as 227-233delA and c.227delA. ClinVar contains an entry for this variant (Variation ID: 545744). For these reasons, this variant has been classified as Pathogenic.

GeneDx
Classification: Pathogenic. Last evaluated: 2025-08-05. Review status: criteria provided, single submitter. Criteria: GeneDx Variant Classification Process June 2021. Collection method: clinical testing. Allele origin: germline. Affected: yes.
Comment: Frameshift variant predicted to result in protein truncation or nonsense mediated decay in a gene for which loss of function is a known mechanism of disease; This variant is associated with the following publications: (PMID: 34887416, 35350800, 27234610, 34848827, 11857752, 33804961)

Blueprint Genetics
Classification: Pathogenic for NF1-related disorders. Last evaluated: 2022-04-01. Review status: criteria provided, single submitter. Criteria: ACMG Guidelines, 2015. Collection method: clinical testing. Allele origin: germline. Affected: yes. Observed: 1 variant allele.

Genome-Nilou Lab
Classification: Pathogenic for Neurofibromatosis, type 1. Last evaluated: 2022-03-15. Review status: criteria provided, single submitter. Criteria: ACMG Guidelines, 2015. Collection method: clinical testing. Allele origin: germline. Affected: no.

Genome Diagnostics Laboratory, The Hospital for Sick Children
Classification: Pathogenic for Neurofibromatosis, type 1. Last evaluated: 2020-10-26. Review status: criteria provided, single submitter. Criteria: ACMG Guidelines, 2015. Collection method: clinical testing. Allele origin: germline. Affected: yes.

Mendelics
Classification: Pathogenic for Neurofibromatosis, type 1. Last evaluated: 2019-05-28. Review status: criteria provided, single submitter. Criteria: Mendelics Assertion Criteria 2017. Collection method: clinical testing. Allele origin: unknown.

Athena Diagnostics
Classification: Pathogenic. Last evaluated: 2018-12-04. Review status: criteria provided, single submitter. Criteria: Athena Diagnostics Criteria. Collection method: clinical testing. Allele origin: germline.
Comment: The variant results in a shift of the reading frame, and is therefore predicted to result in the loss of a functional protein. Found in at least one symptomatic patient, and found in general population data that is consistent with pathogenicity. Moderate co-segregation with disease in affected and unaffected individuals, but from a single family.

Literature cited by the submitters: PubMed 11857752 (cited by 3 submitters); PubMed 27234610 (cited by 3 submitters); PubMed 10712197 (cited by Labcorp Genetics (formerly Invitae), Labcorp); PubMed 23913538 (cited by Labcorp Genetics (formerly Invitae), Labcorp).